The following is an entry in ClinVar:

ClinVar aggregate classification (germline): Uncertain significance (1 of 4 stars; one submission).

Conditions:
Inborn genetic diseases. Identifiers: MedGen C0950123, MeSH D030342.

Submission:

Ambry Genetics
Classification: Uncertain significance for Inborn genetic diseases. Last evaluated: 2025-11-02. Review status: criteria provided, single submitter. Criteria: Ambry Variant Classification Scheme 2023. Collection method: clinical testing. Allele origin: germline.
Comment: The p.P701R variant (also known as c.2102C>G), located in coding exon 13 of the ASXL1 gene, results from a C to G substitution at nucleotide position 2102. The proline at codon 701 is replaced by arginine, an amino acid with dissimilar properties. This amino acid position is conserved. In addition, this alteration is predicted to be tolerated by in silico analysis. Based on the available evidence, the clinical significance of this variant remains unclear.

NM_015338.6(ASXL1):c.2102C>G (p.Pro701Arg)

Gene: ASXL1 (ASXL transcriptional regulator 1; plus strand). Cytogenetic location: 20q11.21.
Variant type: single nucleotide variant.
Coding change: c.2102C>G on transcript NM_015338.6 (MANE Select); coding-DNA position 2102, C replaced by G.
Protein change: p.Pro701Arg; replaces proline 701 with arginine.
Molecular consequence: missense variant.
Genome position (GRCh38, 1-based): chr20:32,434,814, C>G. VCF-style: chr20-32434814-C-G. GRCh37 (hg19) VCF-style: chr20-31022617-C-G.
Other names: c.1919C>G, p.Pro640Arg (NM_001363734.1); short protein forms P640R, P701R.
Identifiers: ClinVar variation 4588318 (VCV004588318.1).